The following is an entry in ClinVar:

ClinVar aggregate classification (germline): Uncertain significance (1 of 4 stars; one submission).

Conditions:
Familial adenomatous polyposis 2. Also called: MUTYH-associated polyposis; MUTYH-related attenuated familial adenomatous polyposis; MYH-associated polyposis; COLORECTAL ADENOMATOUS POLYPOSIS, AUTOSOMAL RECESSIVE; ADENOMAS, MULTIPLE COLORECTAL, AUTOSOMAL RECESSIVE; MUTYH Polyposis. Identifiers: Orphanet 220460, Orphanet 247798, MedGen C3272841, MONDO:0012041, OMIM 608456.

Submission:

Hema, HEMA – Genetic and Molecular Diagnostic Laboratory
Classification: Uncertain significance for Familial adenomatous polyposis 2. Last evaluated: 2025-12-12. Review status: criteria provided, single submitter. Criteria: HEMA Variant Classification Assertion Criteria. Collection method: clinical testing. Allele origin: germline.
Comment: The variant c.-7+3A>T is a transversion from adenine to thymine at position +3 of intron 1 of the MUTYH gene. PM2_Supporting: Present at very low frequency in the gnomAD v4.1.0 database. PP3: According to the splicing predictor SpliceAI, the variant affects splicing (loss of donor score = 0.2).

NM_001048174.2(MUTYH):c.-7+3A>T

Gene: MUTYH (mutY DNA glycosylase; minus strand). Cytogenetic location: 1p34.1.
Variant type: single nucleotide variant.
Coding change: c.-7+3A>T on transcript NM_001048174.2 (MANE Select); 3 bases into the intron after 7 bases upstream of the start codon, A replaced by T.
Molecular consequence: intron variant. On other transcripts: 5 prime UTR variant (1).
Genome position (GRCh38, 1-based): chr1:45,339,896, T>A on the plus strand (A>T on the coding strand, the complement: MUTYH is on the minus strand). VCF-style: chr1-45339896-T-A. GRCh37 (hg19) VCF-style: chr1-45805568-T-A.
Other names: c.-219+80A>T (NM_001293196.2); c.-7+80A>T (NM_001407080.1, NM_001048173.2, NM_001407079.1 and 3 more transcripts); c.-163+80A>T (NM_001407075.1); c.-157+80A>T (NM_001407081.1, NM_001407078.1); c.-219+3A>T (NM_001407091.1); c.-7+3A>T (NM_001407086.1, NM_001293191.2, NM_001407085.1); c.-148+3A>T (NM_001407088.1); c.-157+3A>T (NM_001293195.2); and 10 more.
Identifiers: ClinVar variation 5042626 (VCV005042626.1).
Genomic context (GRCh38, chr1:45,339,896, plus strand): 5'-CTCAGCTCAGGCAGCGTCACCTTCTCTGGAAAGCCCAAACCCAGCCACCCCACTACCCGC[T>A]ACCCGCGGCCCACGCTGATGAAGACAGCAGAACACGGAGGCCCCGCGTTCCCGCCGCGAG-3'